The following is an entry in ClinVar:

NM_001134407.3(GRIN2A):c.2984C>T (p.Thr995Met)

Gene: GRIN2A (glutamate ionotropic receptor NMDA type subunit 2A; minus strand). Cytogenetic location: 16p13.2.
Variant type: single nucleotide variant.
Coding change: c.2984C>T on transcript NM_001134407.3 (MANE Select); coding-DNA position 2984, C replaced by T.
Protein change: p.Thr995Met; replaces threonine 995 with methionine.
Molecular consequence: missense variant.
Genome position (GRCh38, 1-based): chr16:9,764,560, G>A on the plus strand (C>T on the coding strand, the complement: GRIN2A is on the minus strand). VCF-style: chr16-9764560-G-A. GRCh37 (hg19) VCF-style: chr16-9858417-G-A.
Other names: c.2984C>T, p.Thr995Met (NM_000833.5, NM_001134408.2); short protein forms T995M.
Identifiers: ClinVar variation 2574558 (VCV002574558.1), dbSNP rs777687136, ClinGen allele CA7896396.

ClinVar aggregate classification (germline): Uncertain significance (1 of 4 stars; one submission).

Allele frequency attached by ClinVar (database versions not stated): gnomAD 0.00001; gnomAD exomes 0.00001; ExAC 0.00002; TOPMed 0.00003.
gnomAD v4.1: 13 of 1,613,776 alleles (0.00081%); highest among the groups gnomAD compares: Admixed American, 0.0083%; no homozygotes.

Submission:

GeneDx
Classification: Uncertain significance. Last evaluated: 2023-01-25. Review status: criteria provided, single submitter. Criteria: GeneDx Variant Classification Process June 2021. Collection method: clinical testing. Allele origin: germline. Affected: yes.
Comment: In silico analysis supports that this missense variant does not alter protein structure/function; Has not been previously published as pathogenic or benign to our knowledge